The following is an entry in ClinVar:

ClinVar aggregate classification (germline): Uncertain significance (0 of 4 stars; one submission).

Conditions:
NFKBIA-related disorder. Also called: NFKBIA-related condition.

Submission:

PreventionGenetics, part of Exact Sciences
Classification: Uncertain significance for NFKBIA-related condition. Last evaluated: 2024-07-12. Review status: no assertion criteria provided. Collection method: clinical testing. Allele origin: germline.
Comment: The NFKBIA c.901_904delGACG variant is predicted to result in a frameshift and premature protein termination (p.Asp301Serfs*14). To our knowledge, this variant has not been reported in the literature or in a large population database, indicating this variant is rare. Of note, while loss-of-function variants have been reported as causative for NFKBIA-related disorders, none have been reported downstream of the c.901_904delGACG (p.Asp301Serfs*14) variant. Although we suspect that this variant may be pathogenic, at this time, the clinical significance of this variant is uncertain due to the absence of conclusive functional and genetic evidence.

NM_020529.3(NFKBIA):c.901_904del (p.Asp301fs)

Gene: NFKBIA (NFKB inhibitor alpha; minus strand). Cytogenetic location: 14q13.2.
Variant type: Deletion.
Coding change: c.901_904del on transcript NM_020529.3 (MANE Select); coding-DNA positions 901 to 904, 4 bases deleted (GACG; older notation c.901_904delGACG).
Protein change: p.Asp301fs; shifts the reading frame from aspartic acid 301.
Molecular consequence: frameshift variant.
Genome position (GRCh38, 1-based): chr14:35,402,396-35,402,399, CGTC deleted on the plus strand (GACG on the coding strand, the reverse complement: NFKBIA is on the minus strand); deleting any 4 consecutive bases within chr14:35,402,396-35,402,400 gives the same sequence; the c. name uses the placement nearest the transcript's 3' end. VCF-style (leftmost placement, unchanged base first): chr14-35402395-TCGTC-T. GRCh37 (hg19) VCF-style: chr14-35871601-TCGTC-T.
Other names: c.901_904delGACG (NM_020529.2); short protein forms D301fs.
Identifiers: ClinVar variation 3345509 (VCV003345509.1).